The following is an entry in ClinVar:

ClinVar aggregate classification (germline): Uncertain significance (1 of 4 stars; one submission).

Conditions:
BICD2-related disorder. Also called: BICD2-related condition.

Submission:

PreventionGenetics, part of Exact Sciences
Classification: Uncertain significance for BICD2-related condition. Last evaluated: 2023-06-03. Review status: criteria provided, single submitter. Criteria: ACMG Guidelines, 2015. Collection method: clinical testing. Allele origin: germline.
Comment: The BICD2 c.266A>G variant is predicted to result in the amino acid substitution p.His89Arg. To our knowledge, this variant has not been reported in the literature or in a large population database, indicating this variant is rare. At this time, the clinical significance of this variant is uncertain due to the absence of conclusive functional and genetic evidence.

NM_001003800.2(BICD2):c.266A>G (p.His89Arg)

Gene: BICD2 (BICD cargo adaptor 2; minus strand). Cytogenetic location: 9q22.31.
Variant type: single nucleotide variant.
Coding change: c.266A>G on transcript NM_001003800.2 (MANE Select); coding-DNA position 266, A replaced by G.
Protein change: p.His89Arg; replaces histidine 89 with arginine.
Molecular consequence: missense variant.
Genome position (GRCh38, 1-based): chr9:92,729,211, T>C on the plus strand (A>G on the coding strand, the complement: BICD2 is on the minus strand). VCF-style: chr9-92729211-T-C. GRCh37 (hg19) VCF-style: chr9-95491493-T-C.
Other names: c.266A>G, p.His89Arg (NM_015250.4); short protein forms H89R.
Identifiers: ClinVar variation 2632199 (VCV002632199.1), dbSNP rs2490476534, ClinGen allele CA374027341.